The following is an entry in ClinVar:

NM_002485.5(NBN):c.332A>C (p.Glu111Ala)

Gene: NBN (nibrin; minus strand). Cytogenetic location: 8q21.3.
Variant type: single nucleotide variant.
Coding change: c.332A>C on transcript NM_002485.5 (MANE Select); coding-DNA position 332, A replaced by C.
Protein change: p.Glu111Ala; replaces glutamic acid 111 with alanine.
Molecular consequence: missense variant.
Genome position (GRCh38, 1-based): chr8:89,980,882, T>G on the plus strand (A>C on the coding strand, the complement: NBN is on the minus strand). VCF-style: chr8-89980882-T-G. GRCh37 (hg19) VCF-style: chr8-90993110-T-G.
Other names: c.86A>C, p.Glu29Ala (NM_001024688.3); short protein forms E111A, E29A.
Identifiers: ClinVar variation 231719 (VCV000231719.24), dbSNP rs876659320, ClinGen allele CA10578804.

ClinVar aggregate classification (germline): Uncertain significance. Review status: criteria provided, multiple submitters, no conflicts (2 of 4 stars). 6 submissions from 6 submitters: Uncertain significance (5). 1 of the submissions does not count toward it. Last evaluated 2025-08-29.

Conditions:
Hereditary cancer-predisposing syndrome. Also called: Hereditary Cancer Syndrome; Neoplastic Syndromes, Hereditary; Tumor predisposition; Hereditary neoplastic syndrome. Identifiers: Orphanet 140162, MedGen C0027672, MeSH D009386, MONDO:0015356.
Aplastic anemia. Identifiers: Orphanet 182040, Orphanet 88, MedGen C0002874, MONDO:0015909, OMIM 609135, HP:0001915.
Microcephaly, normal intelligence and immunodeficiency (NBS). Also called: BERLIN BREAKAGE SYNDROME; Ataxia telangiectasia variant V1; IMMUNODEFICIENCY, MICROCEPHALY, AND CHROMOSOMAL INSTABILITY; SEEMANOVA SYNDROME II; Nijmegen breakage syndrome; Microcephaly with normal intelligence immunodeficiency and lymphoreticular malignancies. Identifiers: Orphanet 647, MedGen C0398791, MONDO:0009623, OMIM 251260.

Submissions (6):

Labcorp Genetics (formerly Invitae), Labcorp
Classification: Uncertain significance for Microcephaly, normal intelligence and immunodeficiency. Last evaluated: 2025-08-29. Review status: criteria provided, single submitter. Criteria: Invitae Variant Classification Sherloc (09022015). Collection method: clinical testing. Allele origin: germline.
Comment: This sequence change replaces glutamic acid, which is acidic and polar, with alanine, which is neutral and non-polar, at codon 111 of the NBN protein (p.Glu111Ala). This variant is not present in population databases (gnomAD no frequency). This variant has not been reported in the literature in individuals affected with NBN-related conditions. ClinVar contains an entry for this variant (Variation ID: 231719). An algorithm developed to predict the effect of missense changes on protein structure and function (PolyPhen-2) suggests that this variant is likely to be disruptive. In summary, the available evidence is currently insufficient to determine the role of this variant in disease. Therefore, it has been classified as a Variant of Uncertain Significance.

Baylor Genetics
Classification: Uncertain significance for Aplastic anemia. Last evaluated: 2024-02-21. Review status: criteria provided, single submitter. Criteria: ACMG Guidelines, 2015. Collection method: clinical testing. Allele origin: unknown.

Ambry Genetics
Classification: Uncertain significance for Hereditary cancer-predisposing syndrome. Last evaluated: 2022-07-12. Review status: criteria provided, single submitter. Criteria: Ambry Variant Classification Scheme 2023. Collection method: clinical testing. Allele origin: germline.
Comment: The p.E111A variant (also known as c.332A>C), located in coding exon 4 of the NBN gene, results from an A to C substitution at nucleotide position 332. The glutamic acid at codon 111 is replaced by alanine, an amino acid with dissimilar properties. This amino acid position is highly conserved in available vertebrate species. In addition, this alteration is predicted to be deleterious by in silico analysis. Since supporting evidence is limited at this time, the clinical significance of this variant remains unclear.

Genome-Nilou Lab
Classification: Uncertain significance for Microcephaly, normal intelligence and immunodeficiency. Last evaluated: 2021-11-07. Review status: criteria provided, single submitter. Criteria: ACMG Guidelines, 2015. Collection method: clinical testing. Allele origin: germline. Affected: no.

GeneDx
Classification: Uncertain significance. Last evaluated: 2019-05-07. Review status: criteria provided, single submitter. Criteria: GeneDx Variant Classification Process June 2021. Collection method: clinical testing. Allele origin: germline. Affected: yes.
Comment: Not observed in large population cohorts (Lek et al., 2016); In silico analysis, which includes protein predictors and evolutionary conservation, supports a deleterious effect; Has not been previously published as pathogenic or benign to our knowledge

Natera, Inc.
Classification: Uncertain significance for Nijmegen breakage syndrome. Last evaluated: 2020-10-23. Review status: no assertion criteria provided. Collection method: clinical testing. Allele origin: germline. Not counted in ClinVar's aggregate classification.